The following is an entry in ClinVar:

NM_004273.5(CHST3):c.794G>C (p.Arg265Pro)

Gene: CHST3 (carbohydrate sulfotransferase 3; plus strand). Cytogenetic location: 10q22.1.
Variant type: single nucleotide variant.
Coding change: c.794G>C on transcript NM_004273.5 (MANE Select); coding-DNA position 794, G replaced by C.
Protein change: p.Arg265Pro; replaces arginine 265 with proline.
Molecular consequence: missense variant.
Genome position (GRCh38, 1-based): chr10:72,007,825, G>C. VCF-style: chr10-72007825-G-C. GRCh37 (hg19) VCF-style: chr10-73767583-G-C.
Other names: c.794G>C, p.Arg265Pro (NM_001441201.1, NM_001441202.1); short protein forms R265P.
Identifiers: ClinVar variation 4995198 (VCV004995198.1).

ClinVar aggregate classification (germline): Uncertain significance (1 of 4 stars; one submission).

Conditions:
CHST3-related disorder. Also called: CHST3-related condition.

Submission:

PreventionGenetics, part of Exact Sciences
Classification: Uncertain significance for CHST3-related condition. Last evaluated: 2025-12-09. Review status: criteria provided, single submitter. Criteria: ACMG Guidelines, 2015. Collection method: clinical testing. Allele origin: germline.
Comment: The CHST3 c.794G>C variant is predicted to result in the amino acid substitution p.Arg265Pro. To our knowledge, this variant has not been reported in the literature or in a large population database (gnomAD), indicating this variant is rare. At this time, the clinical significance of this variant is uncertain due to the absence of conclusive functional and genetic evidence.